The following is an entry in ClinVar:

NC_000023.10:g.(31144791_31152218)_(31152312_31164407)dup

Gene: DMD (dystrophin; minus strand). Cytogenetic location: Xp21.2.
Variant type: Duplication.
Identifiers: ClinVar variation 2682220 (VCV002682220.1).

ClinVar aggregate classification (germline): Uncertain significance (1 of 4 stars; one submission).

Submission:

Women's Health and Genetics/Laboratory Corporation of America, LabCorp
Classification: Uncertain significance. Last evaluated: 2023-11-21. Review status: criteria provided, single submitter. Criteria: LabCorp Variant Classification Summary - May 2015. Collection method: clinical testing. Allele origin: germline.
Comment: Variant summary: The variant involves the duplication of exon 77 in the DMD gene. A presumed nomenclature of c.(10921+1_10922-1)_(11014+1_11015-1)dup has been designated for the purposes of this classification. The frequency data for this variant in gnomAD is considered unreliable, as metrics indicate poor data quality at this position. It is assumed to be a tandem duplication in direct orientation (Richardson_GIM_2018, Newman_AJHG_2015). This Copy Number Variant (CNV) is predicted to result in an in-frame duplication within this gene. c.(10921+1_10922-1)_(11014+1_11015-1)dup has been reported in the literature in individuals affected with Dystrophinopathies (Li_2015). These data indicate that the variant may be associated with disease. To our knowledge, no experimental evidence demonstrating an impact on protein function has been reported. The following publication have been ascertained in the context of this evaluation (PMID: 25612904). No submitters have cited clinical-significance assessments for this variant to ClinVar after 2014. Based on the evidence outlined above, the variant was classified as VUS-possibly pathogenic.

Literature cited by the submitters: PubMed 25612904.